The following is an entry in ClinVar:

ClinVar aggregate classification (germline): Pathogenic/Likely pathogenic. Review status: criteria provided, multiple submitters, no conflicts (2 of 4 stars). 5 submissions from 5 submitters: Pathogenic (2); Likely pathogenic (2). 1 of the submissions does not count toward it. Last evaluated 2025-12-02.

Conditions:
Sialuria. Also called: Sialic Acid Storage Disease; SIALURIA, FRENCH TYPE. Identifiers: Orphanet 3166, MedGen C0342853, MONDO:0010028, OMIM 269921.
GNE myopathy (NM). Also called: INCLUSION BODY MYOPATHY, HEREDITARY, AUTOSOMAL RECESSIVE; INCLUSION BODY MYOPATHY 2, AUTOSOMAL RECESSIVE; MYOPATHY, DISTAL, WITH OR WITHOUT RIMMED VACUOLES; NONAKA DISTAL MYOPATHY; IBM 2; Inclusion body myopathy autosomal recessive. Identifiers: Orphanet 602, MedGen C1853926, MONDO:0011603, OMIM 605820.

Allele frequency attached by ClinVar (database versions not stated): gnomAD exomes below 0.00001.
gnomAD v4.1: 1 of 1,613,528 alleles (0.000062%); highest among the groups gnomAD compares: Non-Finnish European, 0.000085%; no homozygotes.

Submissions (5):

Labcorp Genetics (formerly Invitae), Labcorp
Classification: Likely pathogenic for Sialuria; GNE myopathy. Last evaluated: 2025-12-02. Review status: criteria provided, single submitter. Criteria: Invitae Variant Classification Sherloc (09022015). Collection method: clinical testing. Allele origin: germline.
Comment: This sequence change replaces arginine, which is basic and polar, with cysteine, which is neutral and slightly polar, at codon 352 of the GNE protein (p.Arg352Cys). This variant is not present in population databases (gnomAD no frequency). This missense change has been observed in individuals with clinical features of autosomal recessive distal myopathy (PMID: 22507750, 23549799, 24027297, 27858732). This variant is also known as R321C. ClinVar contains an entry for this variant (Variation ID: 498277). Invitae Evidence Modeling of protein sequence and biophysical properties (such as structural, functional, and spatial information, amino acid conservation, physicochemical variation, residue mobility, and thermodynamic stability) has been performed for this missense variant. However, the output from this modeling did not meet the statistical confidence thresholds required to predict the impact of this variant on GNE protein function. This variant disrupts the p.Arg352 amino acid residue in GNE. Other variant(s) that disrupt this residue have been observed in individuals with GNE-related conditions (PMID: 35438352, 39332896), which suggests that this may be a clinically significant amino acid residue. In summary, the currently available evidence indicates that the variant is pathogenic, but additional data are needed to prove that conclusively. Therefore, this variant has been classified as Likely Pathogenic.

Women's Health and Genetics/Laboratory Corporation of America, LabCorp
Classification: Pathogenic for GNE myopathy. Last evaluated: 2025-06-27. Review status: criteria provided, single submitter. Criteria: LabCorp Variant Classification Summary - May 2015. Collection method: clinical testing. Allele origin: germline.
Comment: Variant summary: GNE c.1054C>T (p.Arg352Cys) results in a non-conservative amino acid change in the encoded protein sequence. Algorithms developed to predict the effect of missense changes on protein structure and function all suggest that this variant is likely to be disruptive. The variant was absent in 251406 control chromosomes. c.1054C>T has been observed in multiple compound heterozygous individuals affected with GNE myopathy (e.g. Mori-Yoshimura_2012, Cho_2014, Sim_2013, Park_2019, Cerino_2015, Baskar_2024). These data indicate that the variant is very likely to be associated with disease. To our knowledge, no experimental evidence demonstrating an impact on protein function has been reported. The following publications have been ascertained in the context of this evaluation (PMID: 22507750, 24027297, 23549799, 31286697, 27858732, 39213088). ClinVar contains an entry for this variant (Variation ID: 498277). Based on the evidence outlined above, the variant was classified as pathogenic.

Natera, Inc.
Classification: Pathogenic for Nonaka myopathy. Last evaluated: 2024-10-03. Review status: criteria provided, single submitter. Criteria: Natera Variant Classification Schema (03/2026). Collection method: clinical testing. Allele origin: germline.
Comment: The c.1054C>T variant in GNE is a missense variant predicted to cause substitution of arginine to cysteine at amino acid 352. This variant is rare in the general population with a frequency below the threshold expected for the associated phenotype(s). This variant has been observed in one or more individuals affected with the associated recessive disease, as either homozygous or compound heterozygous with a second variant (PMID: 24027297, 27858732, 39213088). A different variant at the same position has been determined to be Pathogenic or Likely Pathogenic. Computational prediction algorithms indicate this variant is likely to affect gene or protein function. Given the available evidence, this variant is classified as Pathogenic.

Baylor Genetics
Classification: Likely pathogenic for GNE myopathy. Last evaluated: 2023-10-16. Review status: criteria provided, single submitter. Criteria: ACMG Guidelines, 2015. Collection method: clinical testing. Allele origin: unknown.

Eurofins Ntd Llc (ga)
Classification: Uncertain significance. Last evaluated: 2017-05-04. Review status: flagged submission. Criteria: EGL Classification Definitions 2015. Collection method: clinical testing. Allele origin: germline. Observed: 2 variant alleles, 2 heterozygotes. Not counted in ClinVar's aggregate classification.
ClinVar note: Reason: Older and outlier claim with insufficient supporting evidence

Literature cited by the submitters: PubMed 22507750 (cited by Labcorp Genetics (formerly Invitae), Labcorp and Women's Health and Genetics/Laboratory Corporation of America, LabCorp); PubMed 23549799 (cited by Labcorp Genetics (formerly Invitae), Labcorp and Women's Health and Genetics/Laboratory Corporation of America, LabCorp); PubMed 24027297 (cited by 3 submitters); PubMed 27858732 (cited by 3 submitters); PubMed 35438352 (cited by Labcorp Genetics (formerly Invitae), Labcorp); PubMed 39332896 (cited by Labcorp Genetics (formerly Invitae), Labcorp); PubMed 31286697 (cited by Women's Health and Genetics/Laboratory Corporation of America, LabCorp); PubMed 39213088 (cited by Women's Health and Genetics/Laboratory Corporation of America, LabCorp and Natera, Inc.).

NM_005476.7(GNE):c.961C>T (p.Arg321Cys)

Gene: GNE (glucosamine (UDP-N-acetyl)-2-epimerase/N-acetylmannosamine kinase; minus strand). Cytogenetic location: 9p13.3.
Variant type: single nucleotide variant.
Coding change: c.961C>T on transcript NM_005476.7 (MANE Select); coding-DNA position 961, C replaced by T.
Protein change: p.Arg321Cys; replaces arginine 321 with cysteine.
Molecular consequence: missense variant.
Genome position (GRCh38, 1-based): chr9:36,233,941, G>A on the plus strand (C>T on the coding strand, the complement: GNE is on the minus strand). VCF-style: chr9-36233941-G-A. GRCh37 (hg19) VCF-style: chr9-36233938-G-A.
Other names: c.1054C>T (NM_001128227.2); c.1054C>T, p.Arg352Cys (NM_001128227.3); c.961C>T, p.Arg321Cys (NM_001190383.3); c.631C>T, p.Arg211Cys (NM_001190384.3); c.784C>T, p.Arg262Cys (NM_001190388.2, NM_001374798.1); c.808C>T, p.Arg270Cys (NM_001374797.1); short protein forms R321C, R352C, R211C, R262C, R270C.
Identifiers: ClinVar variation 498277 (VCV000498277.9), dbSNP rs1554661030, ClinGen allele CA373430492.